The following is an entry in ClinVar:

ClinVar aggregate classification (germline): Uncertain significance (1 of 4 stars; one submission).

Allele frequency attached by ClinVar (database versions not stated): gnomAD 0.00002; TOPMed 0.00002.

Submission:

Ambry Genetics
Classification: Uncertain significance. Last evaluated: 2021-08-29. Review status: criteria provided, single submitter. Criteria: Ambry Variant Classification Scheme 2023. Collection method: clinical testing. Allele origin: germline.
Comment: The p.R47S variant (also known as c.139C>A), located in coding exon 1 of the POLQ gene, results from a C to A substitution at nucleotide position 139. The arginine at codon 47 is replaced by serine, an amino acid with dissimilar properties. This amino acid position is conserved. In addition, this alteration is predicted to be tolerated by in silico analysis. Since supporting evidence is limited at this time, the clinical significance of this alteration remains unclear.

NM_199420.4(POLQ):c.139C>A (p.Arg47Ser)

Genes: POLQ (DNA polymerase theta; minus strand), LOC112872292 (Sharpr-MPRA regulatory region 30; plus strand). Cytogenetic location: 3q13.33.
Variant type: single nucleotide variant.
Coding change: c.139C>A on transcript NM_199420.4 (MANE Select); coding-DNA position 139, C replaced by A.
Protein change: p.Arg47Ser; replaces arginine 47 with serine.
Molecular consequence: missense variant.
Genome position (GRCh38, 1-based): chr3:121,545,739, G>T on the plus strand (C>A on the coding strand, the complement: POLQ is on the minus strand). VCF-style: chr3-121545739-G-T. GRCh37 (hg19) VCF-style: chr3-121264586-G-T.
Other names: short protein forms R47S.
Identifiers: ClinVar variation 1771719 (VCV001771719.2), dbSNP rs1033596139, ClinGen allele CA81838093.
Genomic context (GRCh38, chr3:121,545,739, plus strand): 5'-CCCCGTTGCCCGCGGCCTCCCGGGTTCCTGGAGCACCTGCAGCTGCGGCCTTCAGGCAGC[G>T]ACCAAGGCCGGGCGGCGGGCTCAGCACGGACCCGGAGAGGAACTGGGGGCTGGCACTGCT-3'
Protein context (NP_955452.3, residues 37-57): SVLSPPPGLG[Arg47Ser]CLKAAAAGEC